The following is an entry in ClinVar:

NM_032601.4(MCEE):c.376G>A (p.Glu126Lys)

Gene: MCEE (methylmalonyl-CoA epimerase; minus strand). Cytogenetic location: 2p13.3.
Variant type: single nucleotide variant.
Coding change: c.376G>A on transcript NM_032601.4 (MANE Select); coding-DNA position 376, G replaced by A.
Protein change: p.Glu126Lys; replaces glutamic acid 126 with lysine.
Molecular consequence: missense variant.
Genome position (GRCh38, 1-based): chr2:71,124,208, C>T on the plus strand (G>A on the coding strand, the complement: MCEE is on the minus strand). VCF-style: chr2-71124208-C-T. GRCh37 (hg19) VCF-style: chr2-71351338-C-T.
Other names: short protein forms E126K.
Identifiers: ClinVar variation 1045912 (VCV001045912.6), dbSNP rs779113206, ClinGen allele CA1702598.

ClinVar aggregate classification (germline): Uncertain significance (1 of 4 stars; one submission).

Conditions:
Methylmalonic acidemia due to methylmalonyl-CoA epimerase deficiency. Also called: METHYLMALONYL-CoA RACEMASE DEFICIENCY; METHYLMALONIC ACIDURIA III; Methylmalonyl-CoA Epimerase Deficiency. Identifiers: Orphanet 308425, MedGen C1855100, MONDO:0009615, OMIM 251120.

Allele frequency attached by ClinVar (database versions not stated): gnomAD exomes 0.00001 and 0.00002; TOPMed 0.00002; ExAC 0.00003.
gnomAD v4.1: 10 of 1,608,140 alleles (0.00062%); highest among the groups gnomAD compares: Admixed American, 0.0033%; no homozygotes.

Submission:

Labcorp Genetics (formerly Invitae), Labcorp
Classification: Uncertain significance for Methylmalonic acidemia due to methylmalonyl-CoA epimerase deficiency. Last evaluated: 2021-09-01. Review status: criteria provided, single submitter. Criteria: Invitae Variant Classification Sherloc (09022015). Collection method: clinical testing. Allele origin: germline.
Comment: This sequence change replaces glutamic acid with lysine at codon 126 of the MCEE protein (p.Glu126Lys). The glutamic acid residue is highly conserved and there is a small physicochemical difference between glutamic acid and lysine. This variant is present in population databases (rs779113206, ExAC 0.02%). This variant has not been reported in the literature in individuals affected with MCEE-related conditions. Algorithms developed to predict the effect of missense changes on protein structure and function (SIFT, PolyPhen-2, Align-GVGD) all suggest that this variant is likely to be disruptive. In summary, the available evidence is currently insufficient to determine the role of this variant in disease. Therefore, it has been classified as a Variant of Uncertain Significance.